The following is an entry in ClinVar:

ClinVar aggregate classification (germline): Benign (0 of 4 stars; one submission).

Conditions:
PTPRM-related disorder. Also called: PTPRM-related condition.

Allele frequency attached by ClinVar (database versions not stated): gnomAD exomes 0.00032; gnomAD 0.00042; TOPMed 0.00067; ExAC 0.00073; 1000 Genomes Project 30x 0.00109; 1000 Genomes Project 0.00140.
gnomAD v4.1: 525 of 1,614,216 alleles (0.033%); highest among the groups gnomAD compares: East Asian, 1.1%; 3 homozygotes.

Submission:

PreventionGenetics, part of Exact Sciences
Classification: Benign for PTPRM-related condition. Last evaluated: 2019-08-16. Review status: no assertion criteria provided. Collection method: clinical testing. Allele origin: germline.
Comment: This variant is classified as benign based on ACMG/AMP sequence variant interpretation guidelines (Richards et al. 2015 PMID: 25741868, with internal and published modifications).

NM_001105244.2(PTPRM):c.3912T>C (p.Pro1304=)

Gene: PTPRM (protein tyrosine phosphatase receptor type M; plus strand). Cytogenetic location: 18p11.23.
Variant type: single nucleotide variant.
Coding change: c.3912T>C on transcript NM_001105244.2 (MANE Select); coding-DNA position 3912, T replaced by C.
Protein change: p.Pro1304=; no amino-acid change (proline 1304 retained).
Molecular consequence: synonymous variant.
Genome position (GRCh38, 1-based): chr18:8,380,421, T>C. VCF-style: chr18-8380421-T-C. GRCh37 (hg19) VCF-style: chr18-8380419-T-C.
Other names: c.3234T>C, p.Pro1078= (NM_001378142.1); c.3273T>C, p.Pro1091= (NM_001378143.1); c.3309T>C, p.Pro1103= (NM_001378144.1); c.3348T>C, p.Pro1116= (NM_001378145.1); c.3324T>C, p.Pro1108= (NM_001378146.1); c.3399T>C, p.Pro1133= (NM_001378147.1); c.3873T>C, p.Pro1291= (NM_002845.4).
Identifiers: ClinVar variation 3053401 (VCV003053401.2), dbSNP rs3744983, ClinGen allele CA8884876.